The following is an entry in ClinVar:

ClinVar aggregate classification (germline): Benign/Likely benign. Review status: criteria provided, multiple submitters, no conflicts (2 of 4 stars). 2 submissions from 2 submitters: Benign (1); Likely benign (1). Last evaluated 2023-04-08.

Allele frequency attached by ClinVar (database versions not stated): gnomAD exomes 0.00007 and 0.00023; 1000 Genomes Project 0.00020; 1000 Genomes Project 30x 0.00031; ExAC 0.00031; gnomAD 0.00078 and 0.00087; TOPMed 0.00083; ESP Exome Variant Server 0.00085.
gnomAD v4.1: 224 of 1,610,702 alleles (0.014%); highest among the groups gnomAD compares: African/African-American, 0.28%; no homozygotes.

Submissions (2):

Labcorp Genetics (formerly Invitae), Labcorp
Classification: Benign. Last evaluated: 2023-04-08. Review status: criteria provided, single submitter. Criteria: Invitae Variant Classification Sherloc (09022015). Collection method: clinical testing. Allele origin: germline.

CeGaT Center for Human Genetics Tuebingen
Classification: Likely benign. Last evaluated: 2022-03-01. Review status: criteria provided, single submitter. Criteria: CeGaT Center For Human Genetics Tuebingen Variant Classification Criteria Version 2. Collection method: clinical testing. Allele origin: germline. Affected: yes. Observed: 1 variant allele.
Comment: GSR: BP4, BP7

NM_000637.5(GSR):c.1317T>C (p.Asn439=)

Gene: GSR (glutathione-disulfide reductase; minus strand). Cytogenetic location: 8p12.
Variant type: single nucleotide variant.
Coding change: c.1317T>C on transcript NM_000637.5 (MANE Select); coding-DNA position 1317, T replaced by C.
Protein change: p.Asn439=; no amino-acid change (asparagine 439 retained).
Molecular consequence: synonymous variant.
Genome position (GRCh38, 1-based): chr8:30,681,006, A>G on the plus strand (T>C on the coding strand, the complement: GSR is on the minus strand). VCF-style: chr8-30681006-A-G. GRCh37 (hg19) VCF-style: chr8-30538523-A-G.
Other names: c.1230T>C, p.Asn410= (NM_001195102.3); c.1158T>C, p.Asn386= (NM_001195103.3); c.1071T>C, p.Asn357= (NM_001195104.3).
Identifiers: ClinVar variation 726081 (VCV000726081.31), dbSNP rs199656769, ClinGen allele CA4701215.
Genomic context (GRCh38, chr8:30,681,006, plus strand): 5'-TGTTTTCCTTTTGGTAACTGCGTGATACATCGGGGTAAAGCTCGTTGAATAGGTCTTCAC[A>G]TTTTCTATTCCATATTTATGAATGGCTTCATCTACAATGCACATTAAAAAAAGCATCTAT-3'
Protein context (NP_000628.2, residues 429-449): DEAIHKYGIE[Asn439=]VKTYSTSFTP